The following is an entry in ClinVar:

NM_006904.7(PRKDC):c.11969C>T (p.Ala3990Val)

Gene: PRKDC (protein kinase, DNA-activated, catalytic subunit; minus strand). Cytogenetic location: 8q11.21.
Variant type: single nucleotide variant.
Coding change: c.11969C>T on transcript NM_006904.7 (MANE Select); coding-DNA position 11969, C replaced by T.
Protein change: p.Ala3990Val; replaces alanine 3990 with valine.
Molecular consequence: missense variant.
Genome position (GRCh38, 1-based): chr8:47,777,759, G>A on the plus strand (C>T on the coding strand, the complement: PRKDC is on the minus strand). VCF-style: chr8-47777759-G-A. GRCh37 (hg19) VCF-style: chr8-48690320-G-A.
Other names: c.11876C>T, p.Ala3959Val (NM_001081640.2); short protein forms A3990V, A3959V.
Identifiers: ClinVar variation 3310164 (VCV003310164.1).

ClinVar aggregate classification (germline): Uncertain significance (1 of 4 stars; one submission).

Submission:

Ambry Genetics
Classification: Uncertain significance. Last evaluated: 2024-05-26. Review status: criteria provided, single submitter. Criteria: Ambry Variant Classification Scheme 2023. Collection method: clinical testing. Allele origin: germline.
Comment: The p.A3990V variant (also known as c.11969C>T), located in coding exon 84 of the PRKDC gene, results from a C to T substitution at nucleotide position 11969. The alanine at codon 3990 is replaced by valine, an amino acid with similar properties. This amino acid position is conserved. Based on the available evidence, the clinical significance of this variant remains unclear.